The following is an entry in ClinVar:

ClinVar aggregate classification (germline): Likely benign (0 of 4 stars; one submission).

Conditions:
MLLT10-related disorder. Also called: MLLT10-related condition.

Allele frequency attached by ClinVar (database versions not stated): 1000 Genomes Project 30x 0.00156; 1000 Genomes Project 0.00180; ExAC 0.00236; gnomAD 0.00255; TOPMed 0.00258; gnomAD exomes 0.00260; ESP Exome Variant Server 0.00277.
gnomAD v4.1: 4,211 of 1,612,218 alleles (0.26%); highest among the groups gnomAD compares: Middle Eastern, 0.83%; 6 homozygotes.

Submission:

PreventionGenetics, part of Exact Sciences
Classification: Likely benign for MLLT10-related condition. Last evaluated: 2019-12-26. Review status: no assertion criteria provided. Collection method: clinical testing. Allele origin: germline.
Comment: This variant is classified as likely benign based on ACMG/AMP sequence variant interpretation guidelines (Richards et al. 2015 PMID: 25741868, with internal and published modifications).

NM_001195626.3(MLLT10):c.2943A>G (p.Gln981=)

Gene: MLLT10 (MLLT10 histone lysine methyltransferase DOT1L cofactor; plus strand). Cytogenetic location: 10p12.31.
Variant type: single nucleotide variant.
Coding change: c.2943A>G on transcript NM_001195626.3 (MANE Select); coding-DNA position 2943, A replaced by G.
Protein change: p.Gln981=; no amino-acid change (glutamine 981 retained).
Molecular consequence: synonymous variant. On other transcripts: non-coding transcript variant (1).
Genome position (GRCh38, 1-based): chr10:21,735,223, A>G. VCF-style: chr10-21735223-A-G. GRCh37 (hg19) VCF-style: chr10-22024152-A-G.
Other names: c.2208A>G, p.Gln736= (NM_001324297.2); c.2991A>G, p.Gln997= (NM_004641.4).
Identifiers: ClinVar variation 3055376 (VCV003055376.2), dbSNP rs142539244, ClinGen allele CA5435298.